The following is an entry in ClinVar:

ClinVar aggregate classification (germline): Pathogenic (1 of 4 stars; one submission).

Conditions:
Glycine encephalopathy. Also called: Nonketotic hyperglycinemia; Non-ketotic hyperglycinemia. Identifiers: Orphanet 407, MedGen C0751748, MONDO:0011612, HP:0008288.

Submission:

Labcorp Genetics (formerly Invitae), Labcorp
Classification: Pathogenic for Non-ketotic hyperglycinemia. Last evaluated: 2019-07-22. Review status: criteria provided, single submitter. Criteria: Invitae Variant Classification Sherloc (09022015). Collection method: clinical testing. Allele origin: germline.
Comment: This variant is an out-of-frame deletion of the genomic region encompassing exon 3 of the GLDC gene. This is expected to create a premature translational stop signal and result in an absent or disrupted protein product. This variant has been observed to be homozygous in an individual affected with glycine encephalopathy (PMID: 27362913). Loss-of-function variants in GLDC are known to be pathogenic (PMID: 16601880). For these reasons, this variant has been classified as Pathogenic.

Literature cited by the submitters: PubMed 27362913.

NC_000009.12:g.(?_6620164)_(6620339_?)del

Gene: GLDC (glycine decarboxylase; minus strand). Cytogenetic location: 9p24.1.
Variant type: Deletion.
Identifiers: ClinVar variation 830523 (VCV000830523.1).